The following is an entry in ClinVar:

ClinVar aggregate classification (germline): Likely benign. Review status: criteria provided, multiple submitters, no conflicts (2 of 4 stars). 2 submissions from 2 submitters: Likely benign (2). Last evaluated 2025-06-27.

Conditions:
Primary ciliary dyskinesia. Also called: Ciliary dyskinesia. Identifiers: Orphanet 244, MedGen C0008780, MONDO:0016575, HP:0012265.

Allele frequency attached by ClinVar (database versions not stated): TOPMed 0.00006; gnomAD 0.00013; ESP Exome Variant Server 0.00023.
gnomAD v4.1: 289 of 1,612,982 alleles (0.018%); highest among the groups gnomAD compares: South Asian, 0.066%; no homozygotes.

Submissions (2):

Labcorp Genetics (formerly Invitae), Labcorp
Classification: Likely benign for Primary ciliary dyskinesia. Last evaluated: 2025-06-27. Review status: criteria provided, single submitter. Criteria: Invitae Variant Classification Sherloc (09022015). Collection method: clinical testing. Allele origin: germline.

CeGaT Center for Human Genetics Tuebingen
Classification: Likely benign. Last evaluated: 2025-06-01. Review status: criteria provided, single submitter. Criteria: CeGaT Center For Human Genetics Tuebingen Variant Classification Criteria Version 2. Collection method: clinical testing. Allele origin: germline. Affected: yes. Observed: 1 variant allele.
Comment: DNAH8: BP4, BP7

NM_001206927.2(DNAH8):c.5667C>T (p.Ser1889=)

Gene: DNAH8 (dynein axonemal heavy chain 8; plus strand). Cytogenetic location: 6p21.2.
Variant type: single nucleotide variant.
Coding change: c.5667C>T on transcript NM_001206927.2 (MANE Select); coding-DNA position 5667, C replaced by T.
Protein change: p.Ser1889=; no amino-acid change (serine 1889 retained).
Molecular consequence: synonymous variant.
Genome position (GRCh38, 1-based): chr6:38,853,281, C>T. VCF-style: chr6-38853281-C-T. GRCh37 (hg19) VCF-style: chr6-38821057-C-T.
Other names: c.5016C>T, p.Ser1672= (NM_001371.4).
Identifiers: ClinVar variation 696015 (VCV000696015.16), dbSNP rs143295890, ClinGen allele CA3789448.
Genomic context (GRCh38, chr6:38,853,281, plus strand): 5'-GATTTGGCTACTGGATTTGTTAAAAATGCAGATGTCATCATTACATAATATAATTAGATC[C>T]GCTTTCTATCAAATCAGTGATTCAGGATTTCAACTCTTACCATTCCTCAGCCACTTTCCA-3'
Protein context (NP_001193856.1, residues 1879-1899): QMSSLHNIIR[Ser1889=]AFYQISDSGF